The following is an entry in ClinVar:

ClinVar aggregate classification (germline): Uncertain significance (1 of 4 stars; one submission).

Conditions:
NCOA1-related disorder. Also called: NCOA1-related condition.

gnomAD v4.1: 4 of 1,614,088 alleles (0.00025%); highest among the groups gnomAD compares: Non-Finnish European, 0.00034%; no homozygotes.

Submission:

PreventionGenetics, part of Exact Sciences
Classification: Uncertain significance for NCOA1-related condition. Last evaluated: 2026-01-22. Review status: criteria provided, single submitter. Criteria: ACMG Guidelines, 2015. Collection method: clinical testing. Allele origin: germline.
Comment: The NCOA1 c.986G>C variant is predicted to result in the amino acid substitution p.Arg329Thr. To our knowledge, this variant has not been reported in the literature. This variant is reported in 0.00088% of alleles in individuals of European (Non-Finnish) descent in gnomAD. At this time, the clinical significance of this variant is uncertain due to the absence of conclusive functional and genetic evidence.

NM_003743.5(NCOA1):c.986G>C (p.Arg329Thr)

Gene: NCOA1 (nuclear receptor coactivator 1; plus strand). Cytogenetic location: 2p23.3.
Variant type: single nucleotide variant.
Coding change: c.986G>C on transcript NM_003743.5 (MANE Select); coding-DNA position 986, G replaced by C.
Protein change: p.Arg329Thr; replaces arginine 329 with threonine.
Molecular consequence: missense variant.
Genome position (GRCh38, 1-based): chr2:24,705,122, G>C. VCF-style: chr2-24705122-G-C. GRCh37 (hg19) VCF-style: chr2-24927991-G-C.
Other names: c.986G>C, p.Arg329Thr (NM_001362950.1, NM_001362952.1, NM_001362954.1 and 3 more transcripts); short protein forms R329T.
Identifiers: ClinVar variation 4989771 (VCV004989771.1).
Genomic context (GRCh38, chr2:24,705,122, plus strand): 5'-AGGTTTCTCTTCTGTTTGAAACAGTGATGACTCGTGGCACTGCCTCCAGCCCCTCCTATA[G>C]ATTCATATTGAATGATGGGACAATGCTTAGCGCCCACACCAAGTGTAAACTTTGCTACCC-3'
Protein context (NP_003734.3, residues 319-339): TRGTASSPSY[Arg329Thr]FILNDGTMLS